The following is an entry in ClinVar:

ClinVar aggregate classification (germline): Benign. Review status: criteria provided, multiple submitters, no conflicts (2 of 4 stars). 10 submissions from 10 submitters: Benign (10). Last evaluated 2025-02-24.

Conditions:
Inborn genetic diseases. Identifiers: MedGen C0950123, MeSH D030342.
Cornelia de Lange syndrome 1 (CDLS1). Also called: TYPUS DEGENERATIVUS AMSTELODAMENSIS; NIPBL-Related Cornelia de Lange Syndrome; Brachmann de Lange syndrome. Identifiers: Orphanet 199, MedGen C4551851, MONDO:0007387, OMIM 122470.

Allele frequency attached by ClinVar (database versions not stated): ESP Exome Variant Server 0.10298; TOPMed 0.12710; gnomAD 0.13068 and 0.13712; gnomAD exomes 0.15067; 1000 Genomes Project 30x 0.16490; 1000 Genomes Project 0.17153; ExAC 0.22843.
gnomAD v4.1: 182,542 of 1,272,910 alleles (14%); highest among the groups gnomAD compares: East Asian, 29%; 14,646 homozygotes.

Submissions (10):

Labcorp Genetics (formerly Invitae), Labcorp
Classification: Benign for Cornelia de Lange syndrome 1. Last evaluated: 2025-02-24. Review status: criteria provided, single submitter. Criteria: Invitae Variant Classification Sherloc (09022015). Collection method: clinical testing. Allele origin: germline.

Blueprint Genetics
Classification: Benign. Last evaluated: 2024-11-26. Review status: criteria provided, single submitter. Criteria: ACMG Guidelines, 2015. Collection method: clinical testing. Allele origin: germline.

Fulgent Genetics
Classification: Benign for Cornelia de Lange syndrome 1. Last evaluated: 2021-08-10. Review status: criteria provided, single submitter. Criteria: ACMG Guidelines, 2015. Collection method: clinical testing. Allele origin: unknown.

Genome-Nilou Lab
Classification: Benign for Cornelia de Lange syndrome 1. Last evaluated: 2021-07-15. Review status: criteria provided, single submitter. Criteria: ACMG Guidelines, 2015. Collection method: clinical testing. Allele origin: germline. Affected: no.

Eurofins Ntd Llc (ga)
Classification: Benign. Last evaluated: 2018-07-13. Review status: criteria provided, single submitter. Criteria: EGL ClinVar v180209 classification definitions. Collection method: clinical testing. Allele origin: germline. Observed: 154 variant alleles, 138 heterozygotes, 16 homozygotes.

Illumina Laboratory Services, Illumina
Classification: Benign for Cornelia de Lange syndrome 1. Last evaluated: 2018-01-13. Review status: criteria provided, single submitter. Criteria: ICSL Variant Classification Criteria 13 December 2019. Collection method: clinical testing. Allele origin: germline.
Comment: This variant was observed in the ICSL laboratory as part of a predisposition screen in an ostensibly healthy population. It had not been previously curated by ICSL or reported in the Human Gene Mutation Database (HGMD: prior to June 1st, 2018), and was therefore a candidate for classification through an automated scoring system. Utilizing variant allele frequency, disease prevalence and penetrance estimates, and inheritance mode, an automated score was calculated to assess if this variant is too frequent to cause the disease. Based on the score and internal cut-off values, a variant classified as benign is not then subjected to further curation. The score for this variant resulted in a classification of benign for this disease.

Ambry Genetics
Classification: Benign for Inborn genetic diseases. Last evaluated: 2016-02-15. Review status: criteria provided, single submitter. Criteria: Ambry Variant Classification Scheme 2023. Collection method: clinical testing. Allele origin: germline.

Genetic Services Laboratory, University of Chicago
Classification: Benign. Last evaluated: 2013-02-08. Review status: criteria provided, single submitter. Criteria: ACMG Guidelines, 2007. Collection method: clinical testing. Allele origin: germline. Inheritance: Autosomal dominant inheritance.

Breakthrough Genomics
Classification: Benign. Review status: criteria provided, single submitter. Criteria: ACMG Guidelines, 2015. Collection method: not provided. Allele origin: germline. Inheritance: Autosomal dominant inheritance. Affected: yes.

PreventionGenetics, part of Exact Sciences
Classification: Benign. Review status: criteria provided, single submitter. Criteria: ACMG Guidelines, 2015. Collection method: clinical testing. Allele origin: germline.

NM_133433.4(NIPBL):c.5874C>T (p.Ser1958=)

Gene: NIPBL (NIPBL cohesin loading factor; plus strand). Cytogenetic location: 5p13.2.
Variant type: single nucleotide variant.
Coding change: c.5874C>T on transcript NM_133433.4 (MANE Select); coding-DNA position 5874, C replaced by T.
Protein change: p.Ser1958=; no amino-acid change (serine 1958 retained).
Molecular consequence: synonymous variant.
Genome position (GRCh38, 1-based): chr5:37,036,390, C>T. VCF-style: chr5-37036390-C-T. GRCh37 (hg19) VCF-style: chr5-37036492-C-T.
Other names: c.5874C>T, p.Ser1958= (NM_015384.5).
Identifiers: ClinVar variation 96348 (VCV000096348.28), dbSNP rs61748200, ClinGen allele CA149451.